The following is an entry in ClinVar:

NM_007294.4(BRCA1):c.4675G>T (p.Glu1559Ter)

Gene: BRCA1 (BRCA1 DNA repair associated; minus strand). Cytogenetic location: 17q21.31.
Variant type: single nucleotide variant.
Coding change: c.4675G>T on transcript NM_007294.4 (MANE Select); coding-DNA position 4675, G replaced by T.
Protein change: p.Glu1559Ter; replaces glutamic acid 1559 with a stop codon.
Molecular consequence: nonsense. On other transcripts: intron variant (3).
Genome position (GRCh38, 1-based): chr17:43,074,331, C>A on the plus strand (G>T on the coding strand, the complement: BRCA1 is on the minus strand). VCF-style: chr17-43074331-C-A. GRCh37 (hg19) VCF-style: chr17-41226348-C-A.
Other names: c.4675G>T, p.Glu1559Ter (NM_001407684.1, NM_001407593.1, NM_001407594.1 and 8 more transcripts); c.4546G>T, p.Glu1516Ter (NM_001407685.1, NM_001407686.1, NM_001407687.1 and 6 more transcripts); c.4543G>T, p.Glu1515Ter (NM_001407690.1, NM_001407691.1); c.4534G>T, p.Glu1512Ter (NM_001407694.1, NM_001407692.1, NM_001407695.1 and 13 more transcripts); c.1366G>T, p.Glu456Ter (NM_001407976.1, NM_001407977.1, NM_001407978.1 and 3 more transcripts); c.1363G>T, p.Glu455Ter (NM_001407979.1, NM_001407980.1, NM_001407981.1 and 12 more transcripts); c.1360G>T, p.Glu454Ter (NM_001408399.1, NM_001408400.1, NM_001408401.1 and 8 more transcripts); c.1357G>T, p.Glu453Ter (NM_001408406.1, NM_001408407.1, NM_001408408.1); and 71 more; short protein forms E1447*, E1471*, E1487*, E1490*, E1510*, E1531*, E1532*, E1539*.
Identifiers: ClinVar variation 4215086 (VCV004215086.1).
Genomic context (GRCh38, chr17:43,074,331, plus strand): 5'-TTATGTAGGATTCAGAGTAAAATCAAAGTGTTTGTTCCAATACAGCAGATGAAATATTAC[C>A]TAGATCTTGCCTTGGCAAGTAAGATGTTTCCGTCAAATCGTGTGGCCCAGACTCTTCCAG-3'

ClinVar aggregate classification (germline): Pathogenic (1 of 4 stars; one submission).

Conditions:
Hereditary cancer-predisposing syndrome. Also called: Neoplastic Syndromes, Hereditary; Tumor predisposition; Hereditary Cancer Syndrome; Hereditary neoplastic syndrome. Identifiers: Orphanet 140162, MedGen C0027672, MeSH D009386, MONDO:0015356.

Submission:

Ambry Genetics
Classification: Pathogenic for Hereditary cancer-predisposing syndrome. Last evaluated: 2025-07-28. Review status: criteria provided, single submitter. Criteria: Ambry Variant Classification Scheme 2023. Collection method: clinical testing. Allele origin: germline.
Comment: The p.E1559* variant (also known as c.4675G>T), located in coding exon 13 of the BRCA1 gene, results from a G to T substitution at nucleotide position 4675. This changes the amino acid from a glutamic acid to a stop codon within coding exon 13. In multiple assays testing BRCA1 function, this variant showed functionally abnormal results (Nacson J et al. Cell Rep, 2018 Sep;24:3513-3527.e7). This variant is considered to be rare based on population cohorts in the Genome Aggregation Database (gnomAD). This alteration is expected to result in loss of function by premature protein truncation or nonsense-mediated mRNA decay. As such, this alteration is interpreted as a disease-causing mutation.

Literature cited by the submitters: PubMed 30257212.